The following is an entry in ClinVar:

ClinVar aggregate classification (germline): Conflicting classifications of pathogenicity. Review status: criteria provided, conflicting classifications (1 of 4 stars). 4 submissions from 4 submitters: Uncertain significance (1); Likely benign (3). Last evaluated 2026-07-01.

Conditions:
LIG1-related disorder. Also called: LIG1-related condition.

Allele frequency attached by ClinVar (database versions not stated): 1000 Genomes Project 30x 0.00016; 1000 Genomes Project 0.00020; gnomAD 0.00104 and 0.00112; TOPMed 0.00116; ExAC 0.00120; gnomAD exomes 0.00127 and 0.00199; ESP Exome Variant Server 0.00146.
gnomAD v4.1: 3,005 of 1,614,088 alleles (0.19%); highest among the groups gnomAD compares: Non-Finnish European, 0.24%; 2 homozygotes.

Submissions (4):

CeGaT Center for Human Genetics Tuebingen
Classification: Likely benign. Last evaluated: 2026-07-01. Review status: criteria provided, single submitter. Criteria: CeGaT Center For Human Genetics Tuebingen Variant Classification Criteria Version 2. Collection method: clinical testing. Allele origin: germline. Affected: yes. Observed: 3 variant alleles.
Comment: LIG1: BS1

PreventionGenetics, part of Exact Sciences
Classification: Likely benign for LIG1-related condition. Last evaluated: 2026-06-22. Review status: criteria provided, single submitter. Criteria: ACMG Guidelines, 2015. Collection method: clinical testing. Allele origin: germline.
Comment: This variant is classified as likely benign based on ACMG/AMP sequence variant interpretation guidelines (Richards et al. 2015 PMID: 25741868, with internal and published modifications).

Labcorp Genetics (formerly Invitae), Labcorp
Classification: Likely benign. Last evaluated: 2026-01-22. Review status: criteria provided, single submitter. Criteria: Invitae Variant Classification Sherloc (09022015). Collection method: clinical testing. Allele origin: germline.

Blueprint Genetics
Classification: Uncertain significance. Last evaluated: 2024-11-26. Review status: criteria provided, single submitter. Criteria: ACMG Guidelines, 2015. Collection method: clinical testing. Allele origin: germline.

NM_000234.3(LIG1):c.1003C>T (p.Leu335Phe)

Gene: LIG1 (DNA ligase 1; minus strand). Cytogenetic location: 19q13.33.
Variant type: single nucleotide variant.
Coding change: c.1003C>T on transcript NM_000234.3 (MANE Select); coding-DNA position 1003, C replaced by T.
Protein change: p.Leu335Phe; replaces leucine 335 with phenylalanine.
Molecular consequence: missense variant. On other transcripts: non-coding transcript variant (6).
Genome position (GRCh38, 1-based): chr19:48,140,055, G>A on the plus strand (C>T on the coding strand, the complement: LIG1 is on the minus strand). VCF-style: chr19-48140055-G-A. GRCh37 (hg19) VCF-style: chr19-48643312-G-A.
Other names: c.910C>T, p.Leu304Phe (NM_001289063.2); c.799C>T, p.Leu267Phe (NM_001289064.2); c.1000C>T, p.Leu334Phe (NM_001320970.2); c.913C>T, p.Leu305Phe (NM_001320971.2); c.1003C>T (NM_000234.2); short protein forms L267F, L304F, L305F, L334F, L335F.
Identifiers: ClinVar variation 1150712 (VCV001150712.34), dbSNP rs144552403, ClinGen allele CA9547013.